The following is an entry in ClinVar:

ClinVar aggregate classification (germline): Uncertain significance (1 of 4 stars; one submission).

Allele frequency attached by ClinVar (database versions not stated): gnomAD exomes below 0.00001; TOPMed 0.00002.
gnomAD v4.1: 4 of 1,613,540 alleles (0.00025%); highest among the groups gnomAD compares: Non-Finnish European, 0.00017%; no homozygotes.

Submission:

Labcorp Genetics (formerly Invitae), Labcorp
Classification: Uncertain significance. Last evaluated: 2025-05-17. Review status: criteria provided, single submitter. Criteria: Invitae Variant Classification Sherloc (09022015). Collection method: clinical testing. Allele origin: germline.
Comment: This sequence change affects a donor splice site in intron 2 of the PCK2 gene. It is expected to disrupt RNA splicing. Variants that disrupt the donor or acceptor splice site typically lead to a loss of protein function (PMID: 16199547), however the current clinical and genetic evidence is not sufficient to establish whether loss-of-function variants in PCK2 cause disease. This variant is not present in population databases (gnomAD no frequency). This variant has not been reported in the literature in individuals affected with PCK2-related conditions. ClinVar contains an entry for this variant (Variation ID: 2419963). Algorithms developed to predict the effect of sequence changes on RNA splicing suggest that this variant may disrupt the consensus splice site. In summary, the available evidence is currently insufficient to determine the role of this variant in disease. Therefore, it has been classified as a Variant of Uncertain Significance.

Literature cited by the submitters: PubMed 16199547.

NM_004563.4(PCK2):c.275+1G>A

Genes: NRL (neural retina leucine zipper; minus strand), PCK2 (phosphoenolpyruvate carboxykinase 2, mitochondrial; plus strand). Cytogenetic location: 14q11.2.
Variant type: single nucleotide variant.
Coding change: c.275+1G>A on transcript NM_004563.4 (MANE Select); the canonical splice donor site of the intron after coding-DNA position 275, G replaced by A.
Molecular consequence: splice donor variant. On other transcripts: intron variant (4).
Genome position (GRCh38, 1-based): chr14:24,097,138, G>A. VCF-style: chr14-24097138-G-A. GRCh37 (hg19) VCF-style: chr14-24566347-G-A.
Other names: c.-27-14263C>T (NM_001354768.3, NM_001354770.2); c.-253-12393C>T (NM_006177.5); c.-128+1G>A (NM_001308054.2); c.-127-1065G>A (NM_001291556.2); c.275+1G>A (NM_001018073.3).
Identifiers: ClinVar variation 2419963 (VCV002419963.8), dbSNP rs1220114762, ClinGen allele CA389193903.